The following is an entry in ClinVar:

ClinVar aggregate classification (germline): Uncertain significance (1 of 4 stars; one submission).

Allele frequency attached by ClinVar (database versions not stated): TOPMed below 0.00001.

Submission:

Labcorp Genetics (formerly Invitae), Labcorp
Classification: Uncertain significance. Last evaluated: 2025-06-30. Review status: criteria provided, single submitter. Criteria: Invitae Variant Classification Sherloc (09022015). Collection method: clinical testing. Allele origin: germline.
Comment: This sequence change replaces lysine, which is basic and polar, with asparagine, which is neutral and polar, at codon 12 of the CTNNA1 protein (p.Lys12Asn). This variant is not present in population databases (gnomAD no frequency). This variant has not been reported in the literature in individuals affected with CTNNA1-related conditions. ClinVar contains an entry for this variant (Variation ID: 2125358). An algorithm developed to predict the effect of missense changes on protein structure and function (PolyPhen-2) suggests that this variant is likely to be tolerated. In summary, the available evidence is currently insufficient to determine the role of this variant in disease. Therefore, it has been classified as a Variant of Uncertain Significance.

NM_001903.5(CTNNA1):c.36G>C (p.Lys12Asn)

Gene: CTNNA1 (catenin alpha 1; plus strand). Cytogenetic location: 5q31.2.
Variant type: single nucleotide variant.
Coding change: c.36G>C on transcript NM_001903.5 (MANE Select); coding-DNA position 36, G replaced by C.
Protein change: p.Lys12Asn; replaces lysine 12 with asparagine.
Molecular consequence: missense variant. On other transcripts: 5 prime UTR variant (2).
Genome position (GRCh38, 1-based): chr5:138,781,960, G>C. VCF-style: chr5-138781960-G-C. GRCh37 (hg19) VCF-style: chr5-138117649-G-C.
Other names: c.36G>C, p.Lys12Asn (NM_001290307.3, NM_001323982.2, NM_001323983.1 and 3 more transcripts); c.-78G>C (NM_001290309.3); c.-171G>C (NM_001290310.3); short protein forms K12N.
Identifiers: ClinVar variation 2125358 (VCV002125358.4), dbSNP rs1755159437, ClinGen allele CA361477096.